The following is an entry in ClinVar:

ClinVar aggregate classification (germline): Uncertain significance. Review status: criteria provided, multiple submitters, no conflicts (2 of 4 stars). 3 submissions from 3 submitters: Uncertain significance (3). Last evaluated 2024-02-07.

Conditions:
Wilson-Turner syndrome (WTS). Also called: INTELLECTUAL DEVELOPMENTAL DISORDER, X-LINKED, SYNDROMIC, WILSON-TURNER TYPE; MENTAL RETARDATION, X-LINKED, SYNDROMIC 6. Identifiers: Orphanet 3459, MedGen C1839736, MONDO:0010665, OMIM 309585.

Allele frequency attached by ClinVar (database versions not stated): gnomAD exomes below 0.00001; TOPMed 0.00001; gnomAD 0.00002.
gnomAD v4.1: 4 of 1,208,887 alleles (0.00033%); highest among the groups gnomAD compares: Non-Finnish European, 0.00034%; no homozygotes.

Submissions (3):

Greenwood Genetic Center Diagnostic Laboratories, Greenwood Genetic Center
Classification: Uncertain significance. Last evaluated: 2024-02-07. Review status: criteria provided, single submitter. Criteria: ACMG Guidelines, 2015. Collection method: clinical testing. Allele origin: germline. Affected: yes.
Comment: PM2, BP4

Labcorp Genetics (formerly Invitae), Labcorp
Classification: Uncertain significance for Wilson-Turner syndrome. Last evaluated: 2020-07-08. Review status: criteria provided, single submitter. Criteria: Invitae Variant Classification Sherloc (09022015). Collection method: clinical testing. Allele origin: germline.
Comment: This sequence change replaces valine with methionine at codon 428 of the LAS1L protein (p.Val428Met). The valine residue is weakly conserved and there is a small physicochemical difference between valine and methionine. In summary, the available evidence is currently insufficient to determine the role of this variant in disease. Therefore, it has been classified as a Variant of Uncertain Significance. Algorithms developed to predict the effect of missense changes on protein structure and function (SIFT, PolyPhen-2, Align-GVGD) all suggest that this variant is likely to be tolerated, but these predictions have not been confirmed by published functional studies and their clinical significance is uncertain. This variant has not been reported in the literature in individuals with LAS1L-related conditions. This variant is not present in population databases (ExAC no frequency).

Revvity Omics, Revvity
Classification: Uncertain significance for Wilson-Turner syndrome. Last evaluated: 2019-11-14. Review status: criteria provided, single submitter. Criteria: ACMG Guidelines, 2015. Collection method: clinical testing. Allele origin: germline.

NM_031206.7(LAS1L):c.1282G>A (p.Val428Met)

Gene: LAS1L (LAS1 like ribosome biogenesis factor; minus strand). Cytogenetic location: Xq12.
Variant type: single nucleotide variant.
Coding change: c.1282G>A on transcript NM_031206.7 (MANE Select); coding-DNA position 1282, G replaced by A.
Protein change: p.Val428Met; replaces valine 428 with methionine.
Molecular consequence: missense variant. On other transcripts: non-coding transcript variant (1).
Genome position (GRCh38, 1-based): chrX:65,524,074, C>T on the plus strand (G>A on the coding strand, the complement: LAS1L is on the minus strand). VCF-style: chrX-65524074-C-T. GRCh37 (hg19) VCF-style: chrX-64743954-C-T.
Other names: c.1231G>A, p.Val411Met (NM_001170649.2, NM_001375331.1, NM_001375333.1 and 2 more transcripts); c.1105G>A, p.Val369Met (NM_001170650.2); c.1282G>A, p.Val428Met (NM_001375328.1, NM_001375329.1, NM_001375330.1 and 2 more transcripts); c.325G>A, p.Val109Met (NM_001375332.1); c.1282G>A (NM_031206.4); short protein forms V411M, V428M, V109M, V369M.
Identifiers: ClinVar variation 1045920 (VCV001045920.12), dbSNP rs1190754458, ClinGen allele CA413316921.
Genomic context (GRCh38, chrX:65,524,074, plus strand): 5'-TGGGCTGCCTTAGGCCCTAGGGCTAGGGCTAGTCTCCCTCACCAGTCTTGGTGTTGGCCA[C>T]GATCAGTTCAACGGTCCATCTGAGGATGTAGGTAGGCCGGATCCCGCTGATCCCCAAGGC-3'
Protein context (NP_112483.1, residues 418-438): YILRWTVELI[Val428Met]ANTKTGRNAR